The following is an entry in ClinVar:

ClinVar aggregate classification (germline): Uncertain significance. Review status: criteria provided, multiple submitters, no conflicts (2 of 4 stars). 3 submissions from 3 submitters: Uncertain significance (3). Last evaluated 2024-05-28.

Conditions:
Hereditary cancer-predisposing syndrome. Also called: Neoplastic Syndromes, Hereditary; Tumor predisposition; Hereditary Cancer Syndrome; Hereditary neoplastic syndrome. Identifiers: Orphanet 140162, MedGen C0027672, MeSH D009386, MONDO:0015356.
BAP1-related tumor predisposition syndrome (TPDS1). Also called: Tumor susceptibility linked to germline BAP1 mutations; BAP1 tumor predisposition syndrome; COMMON Syndrome; TUMOR PREDISPOSITION SYNDROME 1. Identifiers: Orphanet 289539, MedGen C3280492, MONDO:0013692, OMIM 614327.

Submissions (3):

Ambry Genetics
Classification: Uncertain significance for Hereditary cancer-predisposing syndrome. Last evaluated: 2024-05-28. Review status: criteria provided, single submitter. Criteria: Ambry Variant Classification Scheme 2023. Collection method: clinical testing. Allele origin: germline.
Comment: The c.910_911delGCinsAA variant (also known as p.A304N), located in coding exon 10 of the BAP1 gene, results from an in-frame deletion of GC and insertion of AA at nucleotide positions 910 to 911. This results in the substitution of the alanine residue for an asparagine residue at codon 304, an amino acid with dissimilar properties. This amino acid position is well conserved in available vertebrate species. In addition, this alteration is predicted to be neutral by in silico analysis (Choi Y et al. PLoS ONE. 2012; 7(10):e46688). Based on the available evidence, the clinical significance of this variant remains unclear.

Labcorp Genetics (formerly Invitae), Labcorp
Classification: Uncertain significance for BAP1-related tumor predisposition syndrome. Last evaluated: 2024-03-21. Review status: criteria provided, single submitter. Criteria: Invitae Variant Classification Sherloc (09022015). Collection method: clinical testing. Allele origin: germline.
Comment: This sequence change replaces alanine, which is neutral and non-polar, with asparagine, which is neutral and polar, at codon 304 of the BAP1 protein (p.Ala304Asn). Information on the frequency of this variant in the gnomAD database is not available, as this variant may be reported differently in the database. This variant has not been reported in the literature in individuals affected with BAP1-related conditions. ClinVar contains an entry for this variant (Variation ID: 485285). An algorithm developed to predict the effect of missense changes on protein structure and function (PolyPhen-2) suggests that this variant is likely to be tolerated. In summary, the available evidence is currently insufficient to determine the role of this variant in disease. Therefore, it has been classified as a Variant of Uncertain Significance.

Color Diagnostics, LLC DBA Color Health
Classification: Uncertain significance for Hereditary cancer-predisposing syndrome. Last evaluated: 2023-09-18. Review status: criteria provided, single submitter. Criteria: ACMG Guidelines, 2015. Collection method: clinical testing. Allele origin: germline.
Comment: This variant deletes 2 nucleotides and inserts 2 different nucleotides, resulting in the replacement of alanine with asparagine at codon 304 of the BRCA2 protein. To our knowledge, functional studies have not been reported for this variant. This variant has not been reported in individuals affected with BRCA2-related disorders in the literature. This variant has not been identified in the general population by the Genome Aggregation Database (gnomAD). The available evidence is insufficient to determine the role of this variant in disease conclusively. Therefore, this variant is classified as a Variant of Uncertain Significance.

NM_004656.4(BAP1):c.910_911delinsAA (p.Ala304Asn)

Gene: BAP1 (BRCA1 associated deubiquitinase 1; minus strand). Cytogenetic location: 3p21.1.
Variant type: Indel.
Coding change: c.910_911delinsAA on transcript NM_004656.4 (MANE Select); coding-DNA positions 910 to 911, GC replaced by AA.
Protein change: p.Ala304Asn; replaces alanine 304 with asparagine.
Molecular consequence: missense variant.
Genome position (GRCh38, 1-based): chr3:52,405,785-52,405,786, GC replaced by TT on the plus strand (GC replaced by AA on the coding strand, the reverse complement: BAP1 is on the minus strand). VCF-style: chr3-52405785-GC-TT. GRCh37 (hg19) VCF-style: chr3-52439801-GC-TT.
Other names: c.910_911delGCinsAA (LRG_529t1); short protein forms A304N.
Identifiers: ClinVar variation 485285 (VCV000485285.9), dbSNP rs1553645448, ClinGen allele CA658657311.